The following is an entry in ClinVar:

ClinVar aggregate classification (germline): Conflicting classifications of pathogenicity. Review status: criteria provided, conflicting classifications (1 of 4 stars). 6 submissions from 6 submitters: Uncertain significance (2); Likely benign (3). 1 of the submissions does not count toward it. Last evaluated 2025-11-03.

Conditions:
CYP7A1-related disorder. Also called: CYP7A1-related condition.

Allele frequency attached by ClinVar (database versions not stated): 1000 Genomes Project 30x 0.00047; 1000 Genomes Project 0.00060; TOPMed 0.00154; gnomAD 0.00172 and 0.00178; gnomAD exomes 0.00181; ExAC 0.00198; ESP Exome Variant Server 0.00277.

Submissions (6):

Labcorp Genetics (formerly Invitae), Labcorp
Classification: Likely benign. Last evaluated: 2025-11-03. Review status: criteria provided, single submitter. Criteria: Invitae Variant Classification Sherloc (09022015). Collection method: clinical testing. Allele origin: germline.

Mayo Clinic Laboratories, Mayo Clinic
Classification: Uncertain significance. Last evaluated: 2024-12-16. Review status: criteria provided, single submitter. Criteria: ACMG Guidelines, 2015. Collection method: clinical testing. Allele origin: germline. Observed: 2 variant alleles.
Comment: BP4_moderate

CeGaT Center for Human Genetics Tuebingen
Classification: Likely benign. Last evaluated: 2023-08-01. Review status: criteria provided, single submitter. Criteria: CeGaT Center For Human Genetics Tuebingen Variant Classification Criteria Version 2. Collection method: clinical testing. Allele origin: germline. Affected: yes. Observed: 1 variant allele.
Comment: CYP7A1: BP4, BS2

GeneDx
Classification: Likely benign. Last evaluated: 2021-06-21. Review status: criteria provided, single submitter. Criteria: GeneDx Variant Classification Process June 2021. Collection method: clinical testing. Allele origin: germline. Affected: yes.
Comment: This variant is associated with the following publications: (PMID: 27535533, 26582918)

Eurofins Ntd Llc (ga)
Classification: Uncertain significance. Last evaluated: 2018-03-26. Review status: criteria provided, single submitter. Criteria: EGL ClinVar v180209 classification definitions. Collection method: clinical testing. Allele origin: germline. Observed: 8 variant alleles, 8 heterozygotes.

PreventionGenetics, part of Exact Sciences
Classification: Likely benign for CYP7A1-related condition. Last evaluated: 2022-12-10. Review status: no assertion criteria provided. Collection method: clinical testing. Allele origin: germline. Not counted in ClinVar's aggregate classification.
Comment: This variant is classified as likely benign based on ACMG/AMP sequence variant interpretation guidelines (Richards et al. 2015 PMID: 25741868, with internal and published modifications).

Literature cited by the submitters: PubMed 29529257 (cited by Mayo Clinic Laboratories, Mayo Clinic); PubMed 35323704 (cited by Mayo Clinic Laboratories, Mayo Clinic).

NM_000780.4(CYP7A1):c.38C>T (p.Ala13Val)

Genes: CYP7A1 (cytochrome P450 family 7 subfamily A member 1; minus strand), LOC110596866 (CYP7A1 5' regulatory region; plus strand). Cytogenetic location: 8q12.1.
Variant type: single nucleotide variant.
Coding change: c.38C>T on transcript NM_000780.4 (MANE Select); coding-DNA position 38, C replaced by T.
Protein change: p.Ala13Val; replaces alanine 13 with valine.
Molecular consequence: missense variant.
Genome position (GRCh38, 1-based): chr8:58,500,061, G>A on the plus strand (C>T on the coding strand, the complement: CYP7A1 is on the minus strand). VCF-style: chr8-58500061-G-A. GRCh37 (hg19) VCF-style: chr8-59412620-G-A.
Other names: p.Ala13Val; short protein forms A13V.
Identifiers: ClinVar variation 497786 (VCV000497786.44), dbSNP rs147162838, ClinGen allele CA4756906.